The following is an entry in ClinVar:

NM_001655.5(ARCN1):c.97T>G (p.Leu33Val)

Gene: ARCN1 (archain 1 coat protein complex I subunit delta; plus strand). Cytogenetic location: 11q23.3.
Variant type: single nucleotide variant.
Coding change: c.97T>G on transcript NM_001655.5 (MANE Select); coding-DNA position 97, T replaced by G.
Protein change: p.Leu33Val; replaces leucine 33 with valine.
Molecular consequence: missense variant. On other transcripts: non-coding transcript variant (2), intron variant (3).
Genome position (GRCh38, 1-based): chr11:118,581,339, T>G. VCF-style: chr11-118581339-T-G. GRCh37 (hg19) VCF-style: chr11-118452054-T-G.
Other names: c.97T>G, p.Leu33Val (NM_001425073.1, NM_001425074.1, NM_001425077.1 and 2 more transcripts); c.40T>G, p.Leu14Val (NM_001425075.1); c.28T>G, p.Leu10Val (NM_001425076.1); c.4-1840T>G (NM_001142281.2, NM_001425081.1); c.4-2470T>G (NM_001425080.1); short protein forms L14V, L10V, L33V.
Identifiers: ClinVar variation 5002564 (VCV005002564.1).

ClinVar aggregate classification (germline): Uncertain significance (1 of 4 stars; one submission).

Conditions:
ARCN1-related disorder. Also called: ARCN1-related condition.

gnomAD v4.1: 18 of 1,614,106 alleles (0.0011%); highest among the groups gnomAD compares: African/African-American, 0.0027%; no homozygotes.

Submission:

PreventionGenetics, part of Exact Sciences
Classification: Uncertain significance for ARCN1-related condition. Last evaluated: 2026-08-26. Review status: criteria provided, single submitter. Criteria: ACMG Guidelines, 2015. Collection method: clinical testing. Allele origin: germline.
Comment: The ARCN1 c.97T>G variant is predicted to result in the amino acid substitution p.Leu33Val. To our knowledge, this variant has not been reported in the literature. This variant is reported in 0.0040% of alleles in individuals of African descent in gnomAD. At this time, the clinical significance of this variant is uncertain due to the absence of conclusive functional and genetic evidence.